The following is an entry in ClinVar:

NM_020975.6(RET):c.1225T>G (p.Ser409Ala)

Gene: RET (ret proto-oncogene; plus strand). Cytogenetic location: 10q11.21.
Variant type: single nucleotide variant.
Coding change: c.1225T>G on transcript NM_020975.6 (MANE Select); coding-DNA position 1225, T replaced by G.
Protein change: p.Ser409Ala; replaces serine 409 with alanine.
Molecular consequence: missense variant. On other transcripts: intron variant (18).
Genome position (GRCh38, 1-based): chr10:43,109,192, T>G. VCF-style: chr10-43109192-T-G. GRCh37 (hg19) VCF-style: chr10-43604640-T-G.
Other names: c.1225T>G, p.Ser409Ala (NM_001406759.1, NM_001406760.1, NM_001406763.1 and 6 more transcripts); c.1096T>G, p.Ser366Ala (NM_001406761.1, NM_001406762.1, NM_001406764.1 and 1 more transcripts); c.937T>G, p.Ser313Ala (NM_001406766.1, NM_001406767.1, NM_001406770.1); c.463T>G, p.Ser155Ala (NM_001355216.2); c.787T>G, p.Ser263Ala (NM_001406771.1, NM_001406773.1); c.499T>G, p.Ser167Ala (NM_001406775.1, NM_001406776.1, NM_001406777.1 and 1 more transcripts); c.235T>G, p.Ser79Ala (NM_001406784.1); c.868-2015T>G (NM_001406772.1, NM_001406769.1); and 5 more; short protein forms S155A, S167A, S263A, S313A, S366A, S409A, S79A.
Identifiers: ClinVar variation 3072726 (VCV003072726.2), dbSNP rs2538425916, ClinGen allele CA376547924.

ClinVar aggregate classification (germline): Uncertain significance. Review status: criteria provided, multiple submitters, no conflicts (2 of 4 stars). 2 submissions from 2 submitters: Uncertain significance (2). Last evaluated 2026-02-16.

Conditions:
Hereditary cancer-predisposing syndrome. Also called: Neoplastic Syndromes, Hereditary; Tumor predisposition; Hereditary Cancer Syndrome; Hereditary neoplastic syndrome. Identifiers: Orphanet 140162, MedGen C0027672, MeSH D009386, MONDO:0015356.
Multiple endocrine neoplasia, type 2 (MEN2). Identifiers: Orphanet 653, MedGen C4048306, MONDO:0019003. Disease mechanism: gain of function.

Submissions (2):

Ambry Genetics
Classification: Uncertain significance for Hereditary cancer-predisposing syndrome. Last evaluated: 2026-02-16. Review status: criteria provided, single submitter. Criteria: Ambry Variant Classification Scheme 2023. Collection method: clinical testing. Allele origin: germline.
Comment: The p.S409A variant (also known as c.1225T>G), located in coding exon 6 of the RET gene, results from a T to G substitution at nucleotide position 1225. The serine at codon 409 is replaced by alanine, an amino acid with similar properties. This amino acid position is conserved. In addition, this alteration is predicted to be tolerated by in silico analysis. Based on the available evidence, the clinical significance of this variant remains unclear.

All of Us Research Program, National Institutes of Health
Classification: Uncertain significance for Multiple endocrine neoplasia, type 2. Last evaluated: 2023-08-15. Review status: criteria provided, single submitter. Criteria: ACMG Guidelines, 2015. Collection method: clinical testing. Allele origin: germline. Inheritance: Autosomal dominant inheritance. Observed: 1 variant allele, 1 heterozygote.
Comment: This missense variant replaces serine with alanine at codon 409 of the RET protein. Computational prediction suggests that this variant may not impact protein structure and function (internally defined REVEL score threshold <= 0.5, PMID: 27666373). To our knowledge, functional studies have not been reported for this variant. This variant has not been reported in individuals affected with RET-related disorders in the literature. This variant has not been identified in the general population by the Genome Aggregation Database (gnomAD). The available evidence is insufficient to determine the role of this variant in disease conclusively. Therefore, this variant is classified as a Variant of Uncertain Significance.

This study involves interpretation of variants in research participants for the purpose of population health screening. Participant phenotype was not available at the time of variant classification. Additional details can be found in publication PMID: 35346344, PMCID: PMC8962531